The following is an entry in ClinVar:

NM_020937.4(FANCM):c.5321A>C (p.Lys1774Thr)

Gene: FANCM (FA complementation group M; plus strand). Cytogenetic location: 14q21.2.
Variant type: single nucleotide variant.
Coding change: c.5321A>C on transcript NM_020937.4 (MANE Select); coding-DNA position 5321, A replaced by C.
Protein change: p.Lys1774Thr; replaces lysine 1774 with threonine.
Molecular consequence: missense variant.
Genome position (GRCh38, 1-based): chr14:45,189,343, A>C. VCF-style: chr14-45189343-A-C. GRCh37 (hg19) VCF-style: chr14-45658546-A-C.
Other names: c.5243A>C, p.Lys1748Thr (NM_001308133.2); short protein forms K1748T, K1774T.
Identifiers: ClinVar variation 4825996 (VCV004825996.1).
Genomic context (GRCh38, chr14:45,189,343, plus strand): 5'-ATGAAGTCCAGTCTACCACACCACCCTTCACTACTGTTGATTCACAGAAAGACTGTAGAA[A>C]ATTTCCAGTTCCACAGAAGGTATGGATCAAAGAAAGGAAAAATATCTTTAGATGGTTACC-3'
Protein context (NP_065988.1, residues 1764-1784): TTVDSQKDCR[Lys1774Thr]FPVPQKDGSA

ClinVar aggregate classification (germline): Uncertain significance (1 of 4 stars; one submission).

Conditions:
Inborn genetic diseases. Identifiers: MedGen C0950123, MeSH D030342.

Submission:

Ambry Genetics
Classification: Uncertain significance for Inborn genetic diseases. Last evaluated: 2026-02-25. Review status: criteria provided, single submitter. Criteria: Ambry Variant Classification Scheme 2023. Collection method: clinical testing. Allele origin: germline.
Comment: The p.K1774T variant (also known as c.5321A>C), located in coding exon 20 of the FANCM gene, results from an A to C substitution at nucleotide position 5321. The lysine at codon 1774 is replaced by threonine, an amino acid with similar properties. This amino acid position is conserved. In addition, this alteration is predicted to be tolerated by in silico analysis. Based on the available evidence, the clinical significance of this variant remains unclear.